The following is an entry in ClinVar:

ClinVar aggregate classification (germline): Uncertain significance. Review status: criteria provided, multiple submitters, no conflicts (2 of 4 stars). 2 submissions from 2 submitters: Uncertain significance (2). Last evaluated 2025-05-13.

Conditions:
Floating-Harbor syndrome (FLHS). Also called: SRCAP-Related Floating-Harbor Syndrome; Short stature with delayed bone age, expressive language delay, a triangular face with a prominent nose and deep-set eyes; Pelletier-Leisti syndrome. Identifiers: Orphanet 2044, MedGen C0729582, MONDO:0007621, OMIM 136140.

Allele frequency attached by ClinVar (database versions not stated): gnomAD exomes below 0.00001 and 0.00001; ExAC 0.00002; TOPMed 0.00002; gnomAD 0.00003.
gnomAD v4.1: 8 of 1,614,032 alleles (0.0005%); highest among the groups gnomAD compares: African/African-American, 0.0053%; no homozygotes.

Submissions (2):

Labcorp Genetics (formerly Invitae), Labcorp
Classification: Uncertain significance. Last evaluated: 2025-05-13. Review status: criteria provided, single submitter. Criteria: Invitae Variant Classification Sherloc (09022015). Collection method: clinical testing. Allele origin: germline.
Comment: This sequence change replaces isoleucine, which is neutral and non-polar, with valine, which is neutral and non-polar, at codon 106 of the SRCAP protein (p.Ile106Val). This variant is present in population databases (rs777066101, gnomAD 0.007%). This variant has not been reported in the literature in individuals affected with SRCAP-related conditions. ClinVar contains an entry for this variant (Variation ID: 1033132). Invitae Evidence Modeling of protein sequence and biophysical properties (such as structural, functional, and spatial information, amino acid conservation, physicochemical variation, residue mobility, and thermodynamic stability) indicates that this missense variant is not expected to disrupt SRCAP protein function with a negative predictive value of 80%. In summary, the available evidence is currently insufficient to determine the role of this variant in disease. Therefore, it has been classified as a Variant of Uncertain Significance.

Baylor Genetics
Classification: Uncertain significance for Floating-Harbor syndrome. Last evaluated: 2018-01-30. Review status: criteria provided, single submitter. Criteria: ACMG Guidelines, 2015. Collection method: clinical testing. Allele origin: maternal. Affected: yes.
Comment: This variant was determined to be of uncertain significance according to ACMG Guidelines, 2015 [PMID:25741868].

NM_006662.3(SRCAP):c.316A>G (p.Ile106Val)

Gene: SRCAP (Snf2 related CREBBP activator protein; plus strand). Cytogenetic location: 16p11.2.
Variant type: single nucleotide variant.
Coding change: c.316A>G on transcript NM_006662.3 (MANE Select); coding-DNA position 316, A replaced by G.
Protein change: p.Ile106Val; replaces isoleucine 106 with valine.
Molecular consequence: missense variant.
Genome position (GRCh38, 1-based): chr16:30,707,192, A>G. VCF-style: chr16-30707192-A-G. GRCh37 (hg19) VCF-style: chr16-30718513-A-G.
Other names: short protein forms I106V.
Identifiers: ClinVar variation 1033132 (VCV001033132.2), dbSNP rs777066101, ClinGen allele CA8010657.